The following is an entry in ClinVar:

NM_019892.6(INPP5E):c.1028C>A (p.Ser343Tyr)

Gene: INPP5E (inositol polyphosphate-5-phosphatase E; minus strand). Cytogenetic location: 9q34.3.
Variant type: single nucleotide variant.
Coding change: c.1028C>A on transcript NM_019892.6 (MANE Select); coding-DNA position 1028, C replaced by A.
Protein change: p.Ser343Tyr; replaces serine 343 with tyrosine.
Molecular consequence: missense variant.
Genome position (GRCh38, 1-based): chr9:136,434,043, G>T on the plus strand (C>A on the coding strand, the complement: INPP5E is on the minus strand). VCF-style: chr9-136434043-G-T. GRCh37 (hg19) VCF-style: chr9-139328495-G-T.
Other names: c.1028C>A, p.Ser343Tyr (NM_001318502.2); short protein forms S343Y.
Identifiers: ClinVar variation 1355977 (VCV001355977.7), dbSNP rs1442522957, ClinGen allele CA375564793.
Genomic context (GRCh38, chr9:136,434,043, plus strand): 5'-GCTTCAGAGACGGCAGCCCCTGGGCAGGCACTGCAGGGCCTGCAGCCGCCCTACCTGTCA[G>T]AACAGCCCTCCTGGACCCCGATGACATACAGGTCCTGGGCATAGTCGGCCTCGGCTGGGA-3'
Protein context (NP_063945.2, residues 333-353): LYVIGVQEGC[Ser343Tyr]DRREWETRLQ

ClinVar aggregate classification (germline): Uncertain significance. Review status: criteria provided, multiple submitters, no conflicts (2 of 4 stars). 2 submissions from 2 submitters: Uncertain significance (2). Last evaluated 2023-07-03.

Conditions:
Joubert syndrome. Also called: Familial aplasia of the vermis; JOUBERT-BOLTSHAUSER SYNDROME. Identifiers: Orphanet 475, MedGen C5979921, MONDO:0018772.

Allele frequency attached by ClinVar (database versions not stated): TOPMed below 0.00001; gnomAD exomes 0.00001.

Submissions (2):

Labcorp Genetics (formerly Invitae), Labcorp
Classification: Uncertain significance for Joubert syndrome. Last evaluated: 2023-07-03. Review status: criteria provided, single submitter. Criteria: Invitae Variant Classification Sherloc (09022015). Collection method: clinical testing. Allele origin: germline.
Comment: ClinVar contains an entry for this variant (Variation ID: 1355977). Advanced modeling of protein sequence and biophysical properties (such as structural, functional, and spatial information, amino acid conservation, physicochemical variation, residue mobility, and thermodynamic stability) performed at Invitae indicates that this missense variant is expected to disrupt INPP5E protein function. In summary, the available evidence is currently insufficient to determine the role of this variant in disease. Therefore, it has been classified as a Variant of Uncertain Significance. This variant has not been reported in the literature in individuals affected with INPP5E-related conditions. This sequence change replaces serine, which is neutral and polar, with tyrosine, which is neutral and polar, at codon 343 of the INPP5E protein (p.Ser343Tyr). The frequency data for this variant in the population databases is considered unreliable, as metrics indicate poor data quality at this position in the gnomAD database.

Blueprint Genetics
Classification: Uncertain significance. Last evaluated: 2019-10-25. Review status: criteria provided, single submitter. Criteria: ACMG Guidelines, 2015. Collection method: clinical testing. Allele origin: germline.